The following is an entry in ClinVar:

NM_020745.4(AARS2):c.436-140A>G

Gene: AARS2 (alanyl-tRNA synthetase 2, mitochondrial; minus strand). Cytogenetic location: 6p21.1.
Variant type: single nucleotide variant.
Coding change: c.436-140A>G on transcript NM_020745.4 (MANE Select); 140 bases into the intron before coding-DNA position 436, A replaced by G.
Molecular consequence: intron variant.
Genome position (GRCh38, 1-based): chr6:44,311,675, T>C on the plus strand (A>G on the coding strand, the complement: AARS2 is on the minus strand). VCF-style: chr6-44311675-T-C. GRCh37 (hg19) VCF-style: chr6-44279412-T-C.
Identifiers: ClinVar variation 675491 (VCV000675491.1), dbSNP rs78350664, ClinGen allele CA138394769.
Genomic context (GRCh38, chr6:44,311,675, plus strand): 5'-TTTAGCTCCCGACTTAAGACAAAAGCATTTCTGCTGCCATCTTGTTCCCAGAATAAGCCA[T>C]GAACCATTACTGCCTCTGAGTGTTTTCCTGCCCAGAAAGCTTCCCCCTTCTTCTAAGTCC-3'

ClinVar aggregate classification (germline): Benign (1 of 4 stars; one submission).

Allele frequency attached by ClinVar (database versions not stated): gnomAD exomes 0.00154; gnomAD 0.01561 and 0.01668; TOPMed 0.01723; 1000 Genomes Project 30x 0.02108; 1000 Genomes Project 0.02137.
gnomAD v4.1: 3,907 of 1,094,818 alleles (0.36%); highest among the groups gnomAD compares: African/African-American, 5.4%; 95 homozygotes.

Submission:

GeneDx
Classification: Benign. Last evaluated: 2018-06-14. Review status: criteria provided, single submitter. Criteria: GeneDx Variant Classification (06012015). Collection method: clinical testing. Allele origin: germline. Affected: yes.
Comment: This variant is considered likely benign or benign based on one or more of the following criteria: it is a conservative change, it occurs at a poorly conserved position in the protein, it is predicted to be benign by multiple in silico algorithms, and/or has population frequency not consistent with disease.